The following is an entry in ClinVar:

NM_005859.5(PURA):c.117C>T (p.Gly39=)

Gene: PURA (purine rich element binding protein A; plus strand). Cytogenetic location: 5q31.3.
Variant type: single nucleotide variant.
Coding change: c.117C>T on transcript NM_005859.5 (MANE Select); coding-DNA position 117, C replaced by T.
Protein change: p.Gly39=; no amino-acid change (glycine 39 retained).
Molecular consequence: synonymous variant.
Genome position (GRCh38, 1-based): chr5:140,114,298, C>T. VCF-style: chr5-140114298-C-T. GRCh37 (hg19) VCF-style: chr5-139493883-C-T.
Identifiers: ClinVar variation 2053157 (VCV002053157.6), dbSNP rs1025358715, ClinGen allele CA446758640.

ClinVar aggregate classification (germline): Likely benign. Review status: criteria provided, single submitter (1 of 4 stars). 2 submissions from 2 submitters: Likely benign (1). 1 of the submissions does not count toward it. Last evaluated 2022-07-11.

Conditions:
PURA-related disorder. Also called: PURA-related condition.
PURA-related severe neonatal hypotonia-seizures-encephalopathy syndrome (NEDRIHF). Also called: NEURODEVELOPMENTAL DISORDER WITH NEONATAL RESPIRATORY INSUFFICIENCY, HYPOTONIA, AND FEEDING DIFFICULTIES; PURA-Related Neurodevelopmental Disorders. Identifiers: Orphanet 438213, Orphanet 438216, MedGen C4015357, MONDO:1060108, OMIM 616158, MONDO:0018580.

gnomAD v4.1: 1 of 1,242,782 alleles (0.00008%); no homozygotes.

Submissions (2):

Labcorp Genetics (formerly Invitae), Labcorp
Classification: Likely benign for PURA-related severe neonatal hypotonia-seizures-encephalopathy syndrome. Last evaluated: 2022-07-11. Review status: criteria provided, single submitter. Criteria: Invitae Variant Classification Sherloc (09022015). Collection method: clinical testing. Allele origin: germline.

PreventionGenetics, part of Exact Sciences
Classification: Likely benign for PURA-related condition. Last evaluated: 2021-02-02. Review status: no assertion criteria provided. Collection method: clinical testing. Allele origin: germline. Not counted in ClinVar's aggregate classification.
Comment: This variant is classified as likely benign based on ACMG/AMP sequence variant interpretation guidelines (Richards et al. 2015 PMID: 25741868, with internal and published modifications).